The following is an entry in ClinVar:

NM_001349338.3(FOXP1):c.510+10A>G

Gene: FOXP1 (forkhead box P1; minus strand). Cytogenetic location: 3p13.
Variant type: single nucleotide variant.
Coding change: c.510+10A>G on transcript NM_001349338.3 (MANE Select); 10 bases into the intron after coding-DNA position 510, A replaced by G.
Molecular consequence: intron variant.
Genome position (GRCh38, 1-based): chr3:71,052,527, T>C on the plus strand (A>G on the coding strand, the complement: FOXP1 is on the minus strand). VCF-style: chr3-71052527-T-C. GRCh37 (hg19) VCF-style: chr3-71101678-T-C.
Other names: c.510+10A>G (NM_001244810.2, NM_032682.6, NM_001349340.3 and 3 more transcripts); c.507+10A>G (NM_001349341.3); c.283-5432A>G (NM_001244812.3); c.207+10A>G (NM_001349343.3, NM_001349337.2, NM_001349344.3); c.210+10A>G (NM_001349342.3, NM_001370548.1, NM_001244815.2 and 1 more transcripts).
Identifiers: ClinVar variation 3336496 (VCV003336496.2).

ClinVar aggregate classification (germline): Likely benign. Review status: criteria provided, multiple submitters, no conflicts (2 of 4 stars). 2 submissions from 2 submitters: Likely benign (2). Last evaluated 2025-02-12.

gnomAD v4.1: 18 of 1,072,066 alleles (0.0017%); highest among the groups gnomAD compares: Non-Finnish European, 0.0023%; no homozygotes.

Submissions (2):

Labcorp Genetics (formerly Invitae), Labcorp
Classification: Likely benign. Last evaluated: 2025-02-12. Review status: criteria provided, single submitter. Criteria: Invitae Variant Classification Sherloc (09022015). Collection method: clinical testing. Allele origin: germline.

Women's Health and Genetics/Laboratory Corporation of America, LabCorp
Classification: Likely benign. Last evaluated: 2024-05-31. Review status: criteria provided, single submitter. Criteria: LabCorp Variant Classification Summary - May 2015. Collection method: clinical testing. Allele origin: germline.
Comment: Variant summary: FOXP1 c.510+10A>G alters a conserved nucleotide located at a position not widely known to affect splicing. Consensus agreement among computation tools predict no significant impact on normal splicing. However, these predictions have yet to be confirmed by functional studies. The variant allele was found at a frequency of 8e-06 in 251298 control chromosomes. The available data on variant occurrences in the general population are insufficient to allow any conclusion about variant significance. To our knowledge, no occurrence of c.510+10A>G in individuals affected with Mental Retardation With Language Impairment And With Or Without Autistic Features and no experimental evidence demonstrating its impact on protein function have been reported. No submitters have cited clinical-significance assessments for this variant to ClinVar. Based on the evidence outlined above, the variant was classified as likely benign.